The following is an entry in ClinVar:

NM_002691.4(POLD1):c.873G>A (p.Leu291=)

Gene: POLD1 (DNA polymerase delta 1, catalytic subunit; plus strand). Cytogenetic location: 19q13.33.
Variant type: single nucleotide variant.
Coding change: c.873G>A on transcript NM_002691.4 (MANE Select); coding-DNA position 873, G replaced by A.
Protein change: p.Leu291=; no amino-acid change (leucine 291 retained).
Molecular consequence: synonymous variant. On other transcripts: non-coding transcript variant (1).
Genome position (GRCh38, 1-based): chr19:50,402,644, G>A. VCF-style: chr19-50402644-G-A. GRCh37 (hg19) VCF-style: chr19-50905901-G-A.
Other names: c.873G>A, p.Leu291= (NM_001256849.1, NM_001308632.1).
Identifiers: ClinVar variation 386626 (VCV000386626.17), dbSNP rs1057522553, ClinGen allele CA16608260.
Genomic context (GRCh38, chr19:50,402,644, plus strand): 5'-GCCACCGCTGACCCACCCATGCCCACAGGCTACGCAGTGCCAGCTGGAGGCGGACGTGCT[G>A]TGGTCTGACGTGGTCAGTCACCCACCGGAAGGGCCATGGCAGCGCATTGCGCCCTTGCGC-3'
Protein context (NP_002682.2, residues 281-301): ATQCQLEADV[Leu291=]WSDVVSHPPE

ClinVar aggregate classification (germline): Benign/Likely benign. Review status: criteria provided, multiple submitters, no conflicts (2 of 4 stars). 4 submissions from 4 submitters: Benign (1); Likely benign (3). Last evaluated 2026-01-31.

Conditions:
Hereditary cancer-predisposing syndrome. Also called: Neoplastic Syndromes, Hereditary; Hereditary neoplastic syndrome; Hereditary Cancer Syndrome; Tumor predisposition. Identifiers: Orphanet 140162, MedGen C0027672, MeSH D009386, MONDO:0015356.
POLD1-related polyposis and colorectal cancer syndrome (CRCS10). Also called: Colorectal cancer, susceptibility to, 10; Colorectal cancer 10; COLORECTAL CANCER, SUSCEPTIBILITY TO, ON CHROMOSOME 19q. Identifiers: Orphanet 220460, MedGen C2675481, MONDO:0012953, OMIM 612591.

Allele frequency attached by ClinVar (database versions not stated): gnomAD exomes below 0.00001; TOPMed 0.00001.
gnomAD v4.1: 1 of 1,583,140 alleles (0.000063%); highest among the groups gnomAD compares: Non-Finnish European, 0.000086%; no homozygotes.

Submissions (4):

Labcorp Genetics (formerly Invitae), Labcorp
Classification: Likely benign for POLD1-related polyposis and colorectal cancer syndrome. Last evaluated: 2026-01-31. Review status: criteria provided, single submitter. Criteria: Invitae Variant Classification Sherloc (09022015). Collection method: clinical testing. Allele origin: germline.

Myriad Genetics, Inc.
Classification: Benign for POLD1-related polyposis and colorectal cancer syndrome. Last evaluated: 2025-02-05. Review status: criteria provided, single submitter. Criteria: Myriad Autosomal Dominant, Autosomal Recessive and X-Linked Classification Criteria (2023). Collection method: clinical testing. Allele origin: unknown.
Comment: This variant is considered benign. This variant is a silent/synonymous amino acid change and it is not expected to impact splicing.

GeneDx
Classification: Likely benign. Last evaluated: 2016-05-27. Review status: criteria provided, single submitter. Criteria: GeneDx Variant Classification (06012015). Collection method: clinical testing. Allele origin: germline. Affected: yes.
Comment: This variant is considered likely benign or benign based on one or more of the following criteria: it is a conservative change, it occurs at a poorly conserved position in the protein, it is predicted to be benign by multiple in silico algorithms, and/or has population frequency not consistent with disease.

Ambry Genetics
Classification: Likely benign for Hereditary cancer-predisposing syndrome. Last evaluated: 2016-02-29. Review status: criteria provided, single submitter. Criteria: Ambry Variant Classification Scheme 2023. Collection method: clinical testing. Allele origin: germline.